The following is an entry in ClinVar:

NM_001276270.2(MBD4):c.1259-8T>G

Gene: MBD4 (methyl-CpG binding domain 4, DNA glycosylase; minus strand). Cytogenetic location: 3q21.3.
Variant type: single nucleotide variant.
Coding change: c.1259-8T>G on transcript NM_001276270.2 (MANE Select); 8 bases into the intron before coding-DNA position 1259, T replaced by G.
Molecular consequence: intron variant.
Genome position (GRCh38, 1-based): chr3:129,433,992, A>C on the plus strand (T>G on the coding strand, the complement: MBD4 is on the minus strand). VCF-style: chr3-129433992-A-C. GRCh37 (hg19) VCF-style: chr3-129152835-A-C.
Other names: c.323-8T>G (NM_001276273.2); c.1277-8T>G (NM_001276272.2, NM_003925.3, NM_001276271.2).
Identifiers: ClinVar variation 3637425 (VCV003637425.2).

ClinVar aggregate classification (germline): Uncertain significance (1 of 4 stars; one submission).

Submission:

Labcorp Genetics (formerly Invitae), Labcorp
Classification: Uncertain significance. Last evaluated: 2024-06-05. Review status: criteria provided, single submitter. Criteria: Invitae Variant Classification Sherloc (09022015). Collection method: clinical testing. Allele origin: germline.
Comment: This sequence change falls in intron 4 of the MBD4 gene. It does not directly change the encoded amino acid sequence of the MBD4 protein. This variant is not present in population databases (gnomAD no frequency). This variant has not been reported in the literature in individuals affected with MBD4-related conditions. Algorithms developed to predict the effect of sequence changes on RNA splicing suggest that this variant may disrupt the consensus splice site. In summary, the available evidence is currently insufficient to determine the role of this variant in disease. Therefore, it has been classified as a Variant of Uncertain Significance.